The following is an entry in ClinVar:

ClinVar aggregate classification (germline): Uncertain significance (1 of 4 stars; one submission).

Allele frequency attached by ClinVar (database versions not stated): gnomAD 0.00002 and 0.00003; gnomAD exomes 0.00002; TOPMed 0.00002.
gnomAD v4.1: 36 of 1,536,686 alleles (0.0023%); highest among the groups gnomAD compares: African/African-American, 0.0055%; no homozygotes.

Submission:

GeneDx
Classification: Uncertain significance. Last evaluated: 2017-03-08. Review status: criteria provided, single submitter. Criteria: GeneDx Variant Classification (06012015). Collection method: clinical testing. Allele origin: germline. Affected: yes.
Comment: The S1015F variant in the PIEZO2 gene has not been reported previously as a pathogenic variant, nor as a benign variant, to our knowledge. The S1015F variant is not observed in large population cohorts (Lek et al., 2016; 1000 Genomes Consortium et al., 2015; Exome Variant Server). The S1015F variant is a non-conservative amino acid substitution, which is likely to impact secondary protein structure as these residues differ in polarity, charge, size and/or other properties. This substitution occurs at a position where amino acids with similar properties to Serine are tolerated across species. In silico analysis predicts this variant is probably damaging to the protein structure/function. We interpret S1015F as a variant of uncertain significance

NM_001378183.1(PIEZO2):c.3119C>T (p.Ser1040Phe)

Gene: PIEZO2 (piezo type mechanosensitive ion channel component 2; minus strand). Cytogenetic location: 18p11.22.
Variant type: single nucleotide variant.
Coding change: c.3119C>T on transcript NM_001378183.1 (MANE Select); coding-DNA position 3119, C replaced by T.
Protein change: p.Ser1040Phe; replaces serine 1040 with phenylalanine.
Molecular consequence: missense variant.
Genome position (GRCh38, 1-based): chr18:10,762,926, G>A on the plus strand (C>T on the coding strand, the complement: PIEZO2 is on the minus strand). VCF-style: chr18-10762926-G-A. GRCh37 (hg19) VCF-style: chr18-10762924-G-A.
Other names: c.3044C>T, p.Ser1015Phe (NM_022068.4); short protein forms S1015F, S1040F.
Identifiers: ClinVar variation 424008 (VCV000424008.2), dbSNP rs976495862, ClinGen allele CA16620659.